The following is an entry in ClinVar:

NM_021729.6(VPS11):c.1045G>A (p.Val349Ile)

Gene: VPS11 (VPS11 core subunit of CORVET and HOPS complexes; plus strand). Cytogenetic location: 11q23.3.
Variant type: single nucleotide variant.
Coding change: c.1045G>A on transcript NM_021729.6 (MANE Select); coding-DNA position 1045, G replaced by A.
Protein change: p.Val349Ile; replaces valine 349 with isoleucine.
Molecular consequence: missense variant. On other transcripts: non-coding transcript variant (4).
Genome position (GRCh38, 1-based): chr11:119,073,358, G>A. VCF-style: chr11-119073358-G-A. GRCh37 (hg19) VCF-style: chr11-118944068-G-A.
Other names: c.1015G>A, p.Val339Ile (NM_001290185.2); c.1057G>A, p.Val353Ile (NM_001378218.1); c.1045G>A, p.Val349Ile (NM_001378219.1, NM_001378220.1); c.1027G>A, p.Val343Ile (NM_001378221.1); short protein forms V353I, V339I, V343I, V349I.
Identifiers: ClinVar variation 1903459 (VCV001903459.2), dbSNP rs1034275588, ClinGen allele CA229630984.

ClinVar aggregate classification (germline): Uncertain significance (1 of 4 stars; one submission).

Allele frequency attached by ClinVar (database versions not stated): gnomAD exomes below 0.00001.
gnomAD v4.1: 2 of 1,613,702 alleles (0.00012%); highest among the groups gnomAD compares: Admixed American, 0.0017%; no homozygotes.

Submission:

Labcorp Genetics (formerly Invitae), Labcorp
Classification: Uncertain significance. Last evaluated: 2022-08-07. Review status: criteria provided, single submitter. Criteria: Invitae Variant Classification Sherloc (09022015). Collection method: clinical testing. Allele origin: germline.
Comment: This sequence change replaces valine, which is neutral and non-polar, with isoleucine, which is neutral and non-polar, at codon 349 of the VPS11 protein (p.Val349Ile). This variant is not present in population databases (gnomAD no frequency). This variant has not been reported in the literature in individuals affected with VPS11-related conditions. Algorithms developed to predict the effect of sequence changes on RNA splicing suggest that this variant may disrupt the consensus splice site. In summary, the available evidence is currently insufficient to determine the role of this variant in disease. Therefore, it has been classified as a Variant of Uncertain Significance.